The following is an entry in ClinVar:

NM_032242.4(PLXNA1):c.2184C>T (p.Ala728=)

Gene: PLXNA1 (plexin A1; plus strand). Cytogenetic location: 3q21.3.
Variant type: single nucleotide variant.
Coding change: c.2184C>T on transcript NM_032242.4 (MANE Select); coding-DNA position 2184, C replaced by T.
Protein change: p.Ala728=; no amino-acid change (alanine 728 retained).
Molecular consequence: synonymous variant.
Genome position (GRCh38, 1-based): chr3:127,012,029, C>T. VCF-style: chr3-127012029-C-T. GRCh37 (hg19) VCF-style: chr3-126730872-C-T.
Identifiers: ClinVar variation 3350725 (VCV003350725.1).
Genomic context (GRCh38, chr3:127,012,029, plus strand): 5'-GATCCTGCCCTCCACGCAGATCTACGTGCCAGTGGGAGTGGTAAAACCCATCACCCTGGC[C>T]GCACGGAACCTGCCACAGCCACAGTCAGGCCAGCGTGGATATGAGTGCCTCTTCCACATC-3'
Protein context (NP_115618.3, residues 718-738): PVGVVKPITL[Ala728=]ARNLPQPQSG

ClinVar aggregate classification (germline): Likely benign (0 of 4 stars; one submission).

Conditions:
PLXNA1-related disorder. Also called: PLXNA1-related condition.

gnomAD v4.1: 14 of 1,613,634 alleles (0.00087%); highest among the groups gnomAD compares: South Asian, 0.0066%; no homozygotes.

Submission:

PreventionGenetics, part of Exact Sciences
Classification: Likely benign for PLXNA1-related condition. Last evaluated: 2023-01-26. Review status: no assertion criteria provided. Collection method: clinical testing. Allele origin: germline.
Comment: This variant is classified as likely benign based on ACMG/AMP sequence variant interpretation guidelines (Richards et al. 2015 PMID: 25741868, with internal and published modifications).